The following is an entry in ClinVar:

ClinVar aggregate classification (germline): Uncertain significance. Review status: criteria provided, multiple submitters, no conflicts (2 of 4 stars). 2 submissions from 2 submitters: Uncertain significance (2). Last evaluated 2025-08-20.

Conditions:
Spondyloenchondrodysplasia with immune dysregulation (SPENCDI). Also called: COMBINED IMMUNODEFICIENCY WITH AUTOIMMUNITY AND SPONDYLOMETAPHYSEAL DYSPLASIA; ROIFMAN IMMUNOSKELETAL SYNDROME; SPONDYLOENCHONDRODYSPLASIA WITH OR WITHOUT IMMUNE DYSREGULATION. Identifiers: Orphanet 1855, MedGen C1842763, MONDO:0011939, OMIM 607944.
Inborn genetic diseases. Identifiers: MedGen C0950123, MeSH D030342.

Allele frequency attached by ClinVar (database versions not stated): gnomAD exomes below 0.00001; ExAC 0.00001.
gnomAD v4.1: 1 of 1,614,196 alleles (0.000062%); highest among the groups gnomAD compares: Admixed American, 0.0017%; no homozygotes.

Submissions (2):

Ambry Genetics
Classification: Uncertain significance for Inborn genetic diseases. Last evaluated: 2025-08-20. Review status: criteria provided, single submitter. Criteria: Ambry Variant Classification Scheme 2023. Collection method: clinical testing. Allele origin: germline.

Labcorp Genetics (formerly Invitae), Labcorp
Classification: Uncertain significance for Spondyloenchondrodysplasia with immune dysregulation. Last evaluated: 2022-08-02. Review status: criteria provided, single submitter. Criteria: Invitae Variant Classification Sherloc (09022015). Collection method: clinical testing. Allele origin: germline.
Comment: This sequence change replaces arginine, which is basic and polar, with glycine, which is neutral and non-polar, at codon 324 of the ACP5 protein (p.Arg324Gly). In summary, the available evidence is currently insufficient to determine the role of this variant in disease. Therefore, it has been classified as a Variant of Uncertain Significance. Algorithms developed to predict the effect of missense changes on protein structure and function are either unavailable or do not agree on the potential impact of this missense change (SIFT: "Not Available"; PolyPhen-2: "Benign"; Align-GVGD: "Not Available"). This variant has not been reported in the literature in individuals affected with ACP5-related conditions. This variant is present in population databases (rs771662520, gnomAD 0.003%).

NM_001611.5(ACP5):c.970A>G (p.Arg324Gly)

Gene: ACP5 (acid phosphatase 5, tartrate resistant; minus strand). Cytogenetic location: 19p13.2.
Variant type: single nucleotide variant.
Coding change: c.970A>G on transcript NM_001611.5 (MANE Select); coding-DNA position 970, A replaced by G.
Protein change: p.Arg324Gly; replaces arginine 324 with glycine.
Molecular consequence: missense variant.
Genome position (GRCh38, 1-based): chr19:11,575,018, T>C on the plus strand (A>G on the coding strand, the complement: ACP5 is on the minus strand). VCF-style: chr19-11575018-T-C. GRCh37 (hg19) VCF-style: chr19-11685833-T-C.
Other names: c.970A>G, p.Arg324Gly (NM_001111034.3, NM_001111035.3, NM_001111036.3 and 1 more transcripts); c.970A>G (NM_001111035.1); short protein forms R324G.
Identifiers: ClinVar variation 1977190 (VCV001977190.6), dbSNP rs771662520, ClinGen allele CA9215282.
Genomic context (GRCh38, chr19:11,575,018, plus strand): 5'-CCACCCACCCAACAGTGGAGATCGGGCCTCAGAGCTGGGCAGTCATGGGAGTTCAGGGCC[T>C]GGCTCGCCTCGGCAGCCTGGTCTTAAAGAGGGACTTGCCCGAGGCCTCGATGTAAGTGAC-3'
Protein context (NP_001602.1, residues 314-325): LFKTRLPRRA[Arg324Gly]P